The following is an entry in ClinVar:

ClinVar aggregate classification (germline): Conflicting classifications of pathogenicity. Review status: criteria provided, conflicting classifications (1 of 4 stars). 3 submissions from 3 submitters: Uncertain significance (1); Likely benign (2). Last evaluated 2026-02-25.

Conditions:
Bethlem myopathy 1A. Also called: MYOPATHY, BENIGN CONGENITAL, WITH CONTRACTURES; Bethlem myopathy 1; Bethlem Muscular Dystrophy. Identifiers: Orphanet 610, MedGen CN029274, MONDO:0024530, OMIM 158810.

Allele frequency attached by ClinVar (database versions not stated): gnomAD 0.00001; gnomAD exomes 0.00001 and 0.00002; TOPMed 0.00001; ExAC 0.00002.
gnomAD v4.1: 11 of 1,613,194 alleles (0.00068%); highest among the groups gnomAD compares: African/African-American, 0.004%; no homozygotes.

Submissions (4):

Women's Health and Genetics/Laboratory Corporation of America, LabCorp
Classification: Uncertain significance. Last evaluated: 2026-02-25. Review status: criteria provided, single submitter. Criteria: LabCorp Variant Classification Summary - May 2015. Collection method: clinical testing. Allele origin: germline.
Comment: Variant summary: COL6A2 c.1620C>T alters a non-conserved nucleotide resulting in a synonymous change. Several computational tools predict a significant impact on normal splicing: three predict the variant creates a 5' donor site. However, these predictions have yet to be confirmed by functional studies. The variant allele was found at a frequency of 1.6e-05 in 250370 control chromosomes (gnomAD). The available data on variant occurrences in the general population are insufficient to allow any conclusion about variant significance. To our knowledge, no occurrence of c.1620C>T in individuals affected with COL6A2-related conditions and no experimental evidence demonstrating its impact on protein function have been reported. ClinVar contains an entry for this variant (Variation ID: 513444). Based on the evidence outlined above, the variant was classified as uncertain significance.

Labcorp Genetics (formerly Invitae), Labcorp
Classification: Likely benign for Bethlem myopathy 1A. Last evaluated: 2022-12-07. Review status: criteria provided, single submitter. Criteria: Invitae Variant Classification Sherloc (09022015). Collection method: clinical testing. Allele origin: germline.

GeneDx
Classification: Likely benign. Last evaluated: 2017-11-21. Review status: criteria provided, single submitter. Criteria: GeneDx Variant Classification (06012015). Collection method: clinical testing. Allele origin: germline. Affected: yes.
Comment: This variant is considered likely benign or benign based on one or more of the following criteria: it is a conservative change, it occurs at a poorly conserved position in the protein, it is predicted to be benign by multiple in silico algorithms, and/or has population frequency not consistent with disease.

Dr. Peter K. Rogan Lab, Western University
No classification provided (evidence only). Condition: Colon adenocarcinoma. Review status: no classification provided. Collection method: in vitro. Allele origin: not applicable. Functional consequence: skipped exon. Not counted in ClinVar's aggregate classification.

NM_001849.4(COL6A2):c.1620C>T (p.Gly540=)

Gene: COL6A2 (collagen type VI alpha 2 chain; plus strand). Cytogenetic location: 21q22.3.
Variant type: single nucleotide variant.
Coding change: c.1620C>T on transcript NM_001849.4 (MANE Select); coding-DNA position 1620, C replaced by T.
Protein change: p.Gly540=; no amino-acid change (glycine 540 retained).
Molecular consequence: synonymous variant.
Genome position (GRCh38, 1-based): chr21:46,122,886, C>T. VCF-style: chr21-46122886-C-T. GRCh37 (hg19) VCF-style: chr21-47542800-C-T.
Other names: c.1620C>T, p.Gly540= (NM_058174.3, NM_058175.3).
Identifiers: ClinVar variation 513444 (VCV000513444.6), dbSNP rs774587547, ClinGen allele CA10072067.